The following is an entry in ClinVar:

ClinVar aggregate classification (germline): Uncertain significance. Review status: criteria provided, single submitter (1 of 4 stars). 2 submissions from 2 submitters: Uncertain significance (1). 1 of the submissions does not count toward it. Last evaluated 2025-06-23.

Conditions:
Cystic fibrosis (CF). Also called: MUCOVISCIDOSIS. Identifiers: Orphanet 586, MedGen C0010674, MONDO:0009061, OMIM 219700. Disease mechanism: loss of function.
CFTR-related disorder (CFTR-RD). Also called: CFTR-related disorders; CFTR-related condition. Identifiers: MedGen C5924204, MONDO:7770004.

Submissions (2):

Labcorp Genetics (formerly Invitae), Labcorp
Classification: Uncertain significance for Cystic fibrosis. Last evaluated: 2025-06-23. Review status: criteria provided, single submitter. Criteria: Invitae Variant Classification Sherloc (09022015). Collection method: clinical testing. Allele origin: germline.
Comment: This sequence change replaces leucine, which is neutral and non-polar, with arginine, which is basic and polar, at codon 1242 of the CFTR protein (p.Leu1242Arg). This variant is not present in population databases (gnomAD no frequency). This variant has not been reported in the literature in individuals affected with CFTR-related conditions. Invitae Evidence Modeling of protein sequence and biophysical properties (such as structural, functional, and spatial information, amino acid conservation, physicochemical variation, residue mobility, and thermodynamic stability) indicates that this missense variant is expected to disrupt CFTR protein function with a positive predictive value of 80%. In summary, the available evidence is currently insufficient to determine the role of this variant in disease. Therefore, it has been classified as a Variant of Uncertain Significance.

Natera, Inc.
Classification: Uncertain significance for CFTR-related disorders. Last evaluated: 2025-03-31. Review status: no assertion criteria provided. Collection method: clinical testing. Allele origin: germline. Not counted in ClinVar's aggregate classification.

NM_000492.4(CFTR):c.3725T>G (p.Leu1242Arg)

Genes: CFTR (CF transmembrane conductance regulator; plus strand), CFTR-AS2 (CFTR antisense RNA 2; minus strand). Cytogenetic location: 7q31.2.
Variant type: single nucleotide variant.
Coding change: c.3725T>G on transcript NM_000492.4 (MANE Select); coding-DNA position 3725, T replaced by G.
Protein change: p.Leu1242Arg; replaces leucine 1242 with arginine.
Molecular consequence: missense variant.
Genome position (GRCh38, 1-based): chr7:117,642,445, T>G. VCF-style: chr7-117642445-T-G. GRCh37 (hg19) VCF-style: chr7-117282499-T-G.
Other names: short protein forms L1242R.
Identifiers: ClinVar variation 4064507 (VCV004064507.2).